The following is an entry in ClinVar:

NM_000419.5(ITGA2B):c.793T>C (p.Tyr265His)

Gene: ITGA2B (integrin subunit alpha 2b; minus strand). Cytogenetic location: 17q21.31.
Variant type: single nucleotide variant.
Coding change: c.793T>C on transcript NM_000419.5 (MANE Select); coding-DNA position 793, T replaced by C.
Protein change: p.Tyr265His; replaces tyrosine 265 with histidine.
Molecular consequence: missense variant.
Genome position (GRCh38, 1-based): chr17:44,384,954, A>G on the plus strand (T>C on the coding strand, the complement: ITGA2B is on the minus strand). VCF-style: chr17-44384954-A-G. GRCh37 (hg19) VCF-style: chr17-42462322-A-G.
Other names: short protein forms Y265H.
Identifiers: ClinVar variation 3111201 (VCV003111201.3), dbSNP rs368697593, ClinGen allele CA8603354.

ClinVar aggregate classification (germline): Uncertain significance. Review status: criteria provided, multiple submitters, no conflicts (2 of 4 stars). 2 submissions from 2 submitters: Uncertain significance (2). Last evaluated 2024-03-05.

Conditions:
Inborn genetic diseases. Identifiers: MedGen C0950123, MeSH D030342.
Glanzmann thrombasthenia. Also called: Glanzmann's thrombasthenia; BLEEDING DISORDER, PLATELET-TYPE, 2; THROMBASTHENIA OF GLANZMANN AND NAEGELI; PLATELET GLYCOPROTEIN IIb-IIIa DEFICIENCY; Thrombasthenia. Identifiers: Orphanet 849, MedGen C0040015, MONDO:0100326.

Allele frequency attached by ClinVar (database versions not stated): gnomAD exomes below 0.00001; ExAC 0.00001; gnomAD 0.00005; TOPMed 0.00005; ESP Exome Variant Server 0.00008.
gnomAD v4.1: 9 of 1,613,962 alleles (0.00056%); highest among the groups gnomAD compares: African/African-American, 0.011%; no homozygotes.

Submissions (2):

Labcorp Genetics (formerly Invitae), Labcorp
Classification: Uncertain significance for Glanzmann thrombasthenia. Last evaluated: 2024-03-05. Review status: criteria provided, single submitter. Criteria: Invitae Variant Classification Sherloc (09022015). Collection method: clinical testing. Allele origin: germline.
Comment: This sequence change replaces tyrosine, which is neutral and polar, with histidine, which is basic and polar, at codon 265 of the ITGA2B protein (p.Tyr265His). This variant is present in population databases (rs368697593, gnomAD 0.007%). This variant has not been reported in the literature in individuals affected with ITGA2B-related conditions. Advanced modeling of protein sequence and biophysical properties (such as structural, functional, and spatial information, amino acid conservation, physicochemical variation, residue mobility, and thermodynamic stability) performed at Invitae indicates that this missense variant is expected to disrupt ITGA2B protein function with a positive predictive value of 80%. In summary, the available evidence is currently insufficient to determine the role of this variant in disease. Therefore, it has been classified as a Variant of Uncertain Significance.

Ambry Genetics
Classification: Uncertain significance for Inborn genetic diseases. Last evaluated: 2024-01-23. Review status: criteria provided, single submitter. Criteria: Ambry Variant Classification Scheme 2023. Collection method: clinical testing. Allele origin: germline.